The following is an entry in ClinVar:

NM_053025.4(MYLK):c.4805A>G (p.Lys1602Arg)

Gene: MYLK (myosin light chain kinase; minus strand). Cytogenetic location: 3q21.1.
Variant type: single nucleotide variant.
Coding change: c.4805A>G on transcript NM_053025.4 (MANE Select); coding-DNA position 4805, A replaced by G.
Protein change: p.Lys1602Arg; replaces lysine 1602 with arginine.
Molecular consequence: missense variant.
Genome position (GRCh38, 1-based): chr3:123,640,319, T>C on the plus strand (A>G on the coding strand, the complement: MYLK is on the minus strand). VCF-style: chr3-123640319-T-C. GRCh37 (hg19) VCF-style: chr3-123359166-T-C.
Other names: c.4277A>G, p.Lys1426Arg (NM_001321309.2); c.4598A>G, p.Lys1533Arg (NM_053026.4, NM_053028.4); c.4805A>G, p.Lys1602Arg (NM_053027.4); short protein forms K1533R, K1602R, K1426R.
Identifiers: ClinVar variation 180445 (VCV000180445.7), dbSNP rs730880165, ClinGen allele CA024856.

ClinVar aggregate classification (germline): Uncertain significance. Review status: criteria provided, multiple submitters, no conflicts (2 of 4 stars). 2 submissions from 2 submitters: Uncertain significance (2). Last evaluated 2026-10-23.

Conditions:
Aortic aneurysm, familial thoracic 7 (AAT7). Also called: AORTIC DISSECTION, FAMILIAL, WITH OR WITHOUT AORTIC ANEURYSM. Identifiers: MedGen C3151077, MONDO:0013418, OMIM 613780.
Joint hypermobility. Also called: Joint hyperflexibility. Identifiers: MedGen C1862377, HP:0001382.

Allele frequency attached by ClinVar (database versions not stated): gnomAD exomes 0.00002 and below 0.00001; ExAC 0.00004.
gnomAD v4.1: 8 of 1,613,942 alleles (0.0005%); highest among the groups gnomAD compares: Non-Finnish European, 0.00051%; no homozygotes.

Submissions (2):

Clinical Genetics Laboratory, Skane University Hospital Lund
Classification: Uncertain significance for Joint hypermobility. Last evaluated: 2026-10-23. Review status: criteria provided, single submitter. Criteria: ACMG Guidelines, 2015. Collection method: clinical testing. Allele origin: germline. Affected: yes.
Comment: Applied ACMG criteria: PP3.

Labcorp Genetics (formerly Invitae), Labcorp
Classification: Uncertain significance for Aortic aneurysm, familial thoracic 7. Last evaluated: 2026-01-26. Review status: criteria provided, single submitter. Criteria: Invitae Variant Classification Sherloc (09022015). Collection method: clinical testing. Allele origin: germline.
Comment: This sequence change replaces lysine, which is basic and polar, with arginine, which is basic and polar, at codon 1602 of the MYLK protein (p.Lys1602Arg). This variant is present in population databases (rs730880165, gnomAD 0.003%). This variant has not been reported in the literature in individuals affected with MYLK-related conditions. ClinVar contains an entry for this variant (Variation ID: 180445). Invitae Evidence Modeling of protein sequence and biophysical properties (such as structural, functional, and spatial information, amino acid conservation, physicochemical variation, residue mobility, and thermodynamic stability) has been performed for this missense variant. However, the output from this modeling did not meet the statistical confidence thresholds required to predict the impact of this variant on MYLK protein function. In summary, the available evidence is currently insufficient to determine the role of this variant in disease. Therefore, it has been classified as a Variant of Uncertain Significance.